The following is an entry in ClinVar:

NM_001690.4(ATP6V1A):c.434G>C (p.Ser145Thr)

Gene: ATP6V1A (ATPase H+ transporting V1 subunit A; plus strand). Cytogenetic location: 3q13.31.
Variant type: single nucleotide variant.
Coding change: c.434G>C on transcript NM_001690.4 (MANE Select); coding-DNA position 434, G replaced by C.
Protein change: p.Ser145Thr; replaces serine 145 with threonine.
Molecular consequence: missense variant.
Genome position (GRCh38, 1-based): chr3:113,784,703, G>C. VCF-style: chr3-113784703-G-C. GRCh37 (hg19) VCF-style: chr3-113503550-G-C.
Other names: short protein forms S145T.
Identifiers: ClinVar variation 1382546 (VCV001382546.6), dbSNP rs558250693, ClinGen allele CA2547842.

ClinVar aggregate classification (germline): Uncertain significance (1 of 4 stars; one submission).

Allele frequency attached by ClinVar (database versions not stated): gnomAD exomes below 0.00001 and 0.00002; gnomAD 0.00001; ExAC 0.00002; 1000 Genomes Project 30x 0.00016; 1000 Genomes Project 0.00020.
gnomAD v4.1: 5 of 1,614,010 alleles (0.00031%); highest among the groups gnomAD compares: South Asian, 0.0044%; no homozygotes.

Submission:

Labcorp Genetics (formerly Invitae), Labcorp
Classification: Uncertain significance. Last evaluated: 2022-08-23. Review status: criteria provided, single submitter. Criteria: Invitae Variant Classification Sherloc (09022015). Collection method: clinical testing. Allele origin: germline.
Comment: This sequence change replaces serine, which is neutral and polar, with threonine, which is neutral and polar, at codon 145 of the ATP6V1A protein (p.Ser145Thr). This variant is present in population databases (rs558250693, gnomAD 0.01%). This variant has not been reported in the literature in individuals affected with ATP6V1A-related conditions. ClinVar contains an entry for this variant (Variation ID: 1382546). Algorithms developed to predict the effect of missense changes on protein structure and function (SIFT, PolyPhen-2, Align-GVGD) all suggest that this variant is likely to be tolerated. In summary, the available evidence is currently insufficient to determine the role of this variant in disease. Therefore, it has been classified as a Variant of Uncertain Significance.